The following is an entry in ClinVar:

ClinVar aggregate classification (germline): Uncertain significance (1 of 4 stars; one submission).

Conditions:
Inborn genetic diseases. Identifiers: MedGen C0950123, MeSH D030342.

Submission:

Ambry Genetics
Classification: Uncertain significance for Inborn genetic diseases. Last evaluated: 2026-01-14. Review status: criteria provided, single submitter. Criteria: Ambry Variant Classification Scheme 2023. Collection method: clinical testing. Allele origin: germline.
Comment: The p.L1213P variant (also known as c.3638T>C), located in coding exon 1 of the SAMD9L gene, results from a T to C substitution at nucleotide position 3638. The leucine at codon 1213 is replaced by proline, an amino acid with similar properties. This amino acid position is conserved. In addition, this alteration is predicted to be tolerated by in silico analysis. Based on the available evidence, the clinical significance of this variant remains unclear.

NM_152703.5(SAMD9L):c.3638T>C (p.Leu1213Pro)

Gene: SAMD9L (sterile alpha motif domain containing 9 like; minus strand). Cytogenetic location: 7q21.2.
Variant type: single nucleotide variant.
Coding change: c.3638T>C on transcript NM_152703.5 (MANE Select); coding-DNA position 3638, T replaced by C.
Protein change: p.Leu1213Pro; replaces leucine 1213 with proline.
Molecular consequence: missense variant.
Genome position (GRCh38, 1-based): chr7:93,132,334, A>G on the plus strand (T>C on the coding strand, the complement: SAMD9L is on the minus strand). VCF-style: chr7-93132334-A-G. GRCh37 (hg19) VCF-style: chr7-92761647-A-G.
Other names: c.3638T>C, p.Leu1213Pro (NM_001303496.3, NM_001303497.3, NM_001303498.3 and 5 more transcripts); short protein forms L1213P.
Identifiers: ClinVar variation 4842042 (VCV004842042.1).